The following is an entry in ClinVar:

ClinVar aggregate classification (germline): Uncertain significance (1 of 4 stars; one submission).

Submission:

GeneDx
Classification: Uncertain significance. Last evaluated: 2025-11-13. Review status: criteria provided, single submitter. Criteria: GeneDx Variant Classification Process June 2021. Collection method: clinical testing. Allele origin: germline. Affected: yes.
Comment: Not observed at significant frequency in large population cohorts (gnomAD); Has not been previously published as pathogenic or benign to our knowledge; In silico analysis is inconclusive as to whether the variant alters gene splicing. In the absence of RNA/functional studies, the actual effect of this sequence change is unknown.

NM_001134407.3(GRIN2A):c.415-3C>G

Gene: GRIN2A (glutamate ionotropic receptor NMDA type subunit 2A; minus strand). Cytogenetic location: 16p13.2.
Variant type: single nucleotide variant.
Coding change: c.415-3C>G on transcript NM_001134407.3 (MANE Select); 3 bases into the intron before coding-DNA position 415, C replaced by G.
Molecular consequence: intron variant.
Genome position (GRCh38, 1-based): chr16:9,938,554, G>C on the plus strand (C>G on the coding strand, the complement: GRIN2A is on the minus strand). VCF-style: chr16-9938554-G-C. GRCh37 (hg19) VCF-style: chr16-10032411-G-C.
Other names: c.415-3C>G (NM_001134408.2, NM_000833.5).
Identifiers: ClinVar variation 3372054 (VCV003372054.2).